The following is an entry in ClinVar:

NM_000264.5(PTCH1):c.64G>A (p.Gly22Ser)

Genes: PTCH1 (patched 1; minus strand), LOC130002133 (ATAC-STARR-seq lymphoblastoid silent region 20071; plus strand). Cytogenetic location: 9q22.32.
Variant type: single nucleotide variant.
Coding change: c.64G>A on transcript NM_000264.5 (MANE Select); coding-DNA position 64, G replaced by A.
Protein change: p.Gly22Ser; replaces glycine 22 with serine.
Molecular consequence: missense variant. On other transcripts: non-coding transcript variant (1), intron variant (3).
Genome position (GRCh38, 1-based): chr9:95,508,298, C>T on the plus strand (G>A on the coding strand, the complement: PTCH1 is on the minus strand). VCF-style: chr9-95508298-C-T. GRCh37 (hg19) VCF-style: chr9-98270580-C-T.
Other names: c.64G>A, p.Gly22Ser (NM_001354918.2); c.199-1699G>A (NM_001083603.3); c.4-1699G>A (NM_001083602.3, NM_001354919.2); short protein forms G22S.
Identifiers: ClinVar variation 2560646 (VCV002560646.3), dbSNP rs1843904468, ClinGen allele CA374121488.

ClinVar aggregate classification (germline): Uncertain significance (1 of 4 stars; one submission).

Conditions:
Hereditary cancer-predisposing syndrome. Also called: Neoplastic Syndromes, Hereditary; Hereditary Cancer Syndrome; Hereditary neoplastic syndrome; Tumor predisposition. Identifiers: Orphanet 140162, MedGen C0027672, MeSH D009386, MONDO:0015356.

Allele frequency attached by ClinVar (database versions not stated): gnomAD exomes below 0.00001; gnomAD 0.00001.
gnomAD v4.1: 2 of 1,451,006 alleles (0.00014%); highest among the groups gnomAD compares: Non-Finnish European, 0.00018%; no homozygotes.

Submission:

Ambry Genetics
Classification: Uncertain significance for Hereditary cancer-predisposing syndrome. Last evaluated: 2025-12-09. Review status: criteria provided, single submitter. Criteria: Ambry Variant Classification Scheme 2023. Collection method: clinical testing. Allele origin: germline.
Comment: The p.G22S variant (also known as c.64G>A), located in coding exon 1 of the PTCH1 gene, results from a G to A substitution at nucleotide position 64. The glycine at codon 22 is replaced by serine, an amino acid with similar properties. This amino acid position is conserved. In addition, this alteration is predicted to be tolerated by in silico analysis. Since supporting evidence is limited at this time, the clinical significance of this alteration remains unclear.